The following is an entry in ClinVar:

ClinVar aggregate classification (germline): Uncertain significance. Review status: criteria provided, multiple submitters, no conflicts (2 of 4 stars). 2 submissions from 2 submitters: Uncertain significance (2). Last evaluated 2023-10-16.

Conditions:
Inborn genetic diseases. Identifiers: MedGen C0950123, MeSH D030342.

Allele frequency attached by ClinVar (database versions not stated): gnomAD 0.00001.

Submissions (2):

Ambry Genetics
Classification: Uncertain significance for Inborn genetic diseases. Last evaluated: 2023-10-16. Review status: criteria provided, single submitter. Criteria: Ambry Variant Classification Scheme 2023. Collection method: clinical testing. Allele origin: germline.

Labcorp Genetics (formerly Invitae), Labcorp
Classification: Uncertain significance. Last evaluated: 2022-10-17. Review status: criteria provided, single submitter. Criteria: Invitae Variant Classification Sherloc (09022015). Collection method: clinical testing. Allele origin: germline.
Comment: In summary, the available evidence is currently insufficient to determine the role of this variant in disease. Therefore, it has been classified as a Variant of Uncertain Significance. Algorithms developed to predict the effect of missense changes on protein structure and function (SIFT, PolyPhen-2, Align-GVGD) all suggest that this variant is likely to be disruptive. This variant has not been reported in the literature in individuals affected with XYLT2-related conditions. This variant is not present in population databases (gnomAD no frequency). This sequence change replaces arginine, which is basic and polar, with proline, which is neutral and non-polar, at codon 269 of the XYLT2 protein (p.Arg269Pro).

NM_022167.4(XYLT2):c.806G>C (p.Arg269Pro)

Gene: XYLT2 (xylosyltransferase 2; plus strand). Cytogenetic location: 17q21.33.
Variant type: single nucleotide variant.
Coding change: c.806G>C on transcript NM_022167.4 (MANE Select); coding-DNA position 806, G replaced by C.
Protein change: p.Arg269Pro; replaces arginine 269 with proline.
Molecular consequence: missense variant.
Genome position (GRCh38, 1-based): chr17:50,354,855, G>C. VCF-style: chr17-50354855-G-C. GRCh37 (hg19) VCF-style: chr17-48432216-G-C.
Other names: short protein forms R269P.
Identifiers: ClinVar variation 1969773 (VCV001969773.6), dbSNP rs775662377, ClinGen allele CA400201622.
Genomic context (GRCh38, chr17:50,354,855, plus strand): 5'-GGGTGGGATTGGGGATGGCGATAACACTGGAGGCTAGCTGAGTGTCTCCTCCCCACCAGC[G>C]TTCCGACTACCTGCACCGGGAGGTGGTGGAGCTGGCCCAGGGCTATGATAACGTGCGGGT-3'
Protein context (NP_071450.2, residues 259-279): QHFFYIHVDK[Arg269Pro]SDYLHREVVE